The following is an entry in ClinVar:

ClinVar aggregate classification (germline): Uncertain significance (1 of 4 stars; one submission).

Conditions:
Hereditary cancer-predisposing syndrome. Also called: Hereditary neoplastic syndrome; Neoplastic Syndromes, Hereditary; Tumor predisposition; Hereditary Cancer Syndrome. Identifiers: Orphanet 140162, MedGen C0027672, MeSH D009386, MONDO:0015356.

Submission:

Ambry Genetics
Classification: Uncertain significance for Hereditary cancer-predisposing syndrome. Last evaluated: 2025-07-24. Review status: criteria provided, single submitter. Criteria: Ambry Variant Classification Scheme 2023. Collection method: clinical testing. Allele origin: germline.
Comment: The p.V761G variant (also known as c.2282T>G), located in coding exon 14 of the PMS2 gene, results from a T to G substitution at nucleotide position 2282. The valine at codon 761 is replaced by glycine, an amino acid with dissimilar properties. This amino acid position is conserved. In addition, the in silico prediction for this alteration is inconclusive. Based on the available evidence, the clinical significance of this variant remains unclear.

NM_000535.7(PMS2):c.2282T>G (p.Val761Gly)

Gene: PMS2 (PMS1 homolog 2, mismatch repair system component; minus strand). Cytogenetic location: 7p22.1.
Variant type: single nucleotide variant.
Coding change: c.2282T>G on transcript NM_000535.7 (MANE Select); coding-DNA position 2282, T replaced by G.
Protein change: p.Val761Gly; replaces valine 761 with glycine.
Molecular consequence: missense variant. On other transcripts: intron variant (2).
Genome position (GRCh38, 1-based): chr7:5,977,751, A>C on the plus strand (T>G on the coding strand, the complement: PMS2 is on the minus strand). VCF-style: chr7-5977751-A-C. GRCh37 (hg19) VCF-style: chr7-6017382-A-C.
Other names: c.1877T>G, p.Val626Gly (NM_001322003.2, NM_001322004.2, NM_001322005.2 and 11 more transcripts); c.2126T>G, p.Val709Gly (NM_001322006.2); c.1964T>G, p.Val655Gly (NM_001322007.2, NM_001322008.2, NM_001406883.1); c.1910T>G, p.Val637Gly (NM_001322009.2, NM_001406887.1, NM_001406888.1); c.1721T>G, p.Val574Gly (NM_001322010.2, NM_001406906.1, NM_001406907.1); c.1349T>G, p.Val450Gly (NM_001322011.2, NM_001322012.2); c.1709T>G, p.Val570Gly (NM_001322013.2, NM_001406908.1, NM_001406909.1); c.2315T>G, p.Val772Gly (NM_001322014.2); and 20 more; short protein forms V626G, V639G, V655G, V695G, V720G, V761G, V769G, V599G.
Identifiers: ClinVar variation 4140503 (VCV004140503.1).